The following is an entry in ClinVar:

ClinVar aggregate classification (germline): Uncertain significance (1 of 4 stars; one submission).

gnomAD v4.1: 3 of 1,574,608 alleles (0.00019%); highest among the groups gnomAD compares: South Asian, 0.0012%; no homozygotes.

Submission:

Labcorp Genetics (formerly Invitae), Labcorp
Classification: Uncertain significance. Last evaluated: 2025-10-02. Review status: criteria provided, single submitter. Criteria: Invitae Variant Classification Sherloc (09022015). Collection method: clinical testing. Allele origin: germline.
Comment: This sequence change replaces isoleucine, which is neutral and non-polar, with leucine, which is neutral and non-polar, at codon 913 of the SLC12A2 protein (p.Ile913Leu). This variant is not present in population databases (gnomAD no frequency). This variant has not been reported in the literature in individuals affected with SLC12A2-related conditions. Invitae Evidence Modeling of protein sequence and biophysical properties (such as structural, functional, and spatial information, amino acid conservation, physicochemical variation, residue mobility, and thermodynamic stability) indicates that this missense variant is not expected to disrupt SLC12A2 protein function with a negative predictive value of 80%. In summary, the available evidence is currently insufficient to determine the role of this variant in disease. Therefore, it has been classified as a Variant of Uncertain Significance.

NM_001046.3(SLC12A2):c.2737A>C (p.Ile913Leu)

Gene: SLC12A2 (solute carrier family 12 member 2; plus strand). Cytogenetic location: 5q23.3.
Variant type: single nucleotide variant.
Coding change: c.2737A>C on transcript NM_001046.3 (MANE Select); coding-DNA position 2737, A replaced by C.
Protein change: p.Ile913Leu; replaces isoleucine 913 with leucine.
Molecular consequence: missense variant. On other transcripts: non-coding transcript variant (1).
Genome position (GRCh38, 1-based): chr5:128,171,680, A>C. VCF-style: chr5-128171680-A-C. GRCh37 (hg19) VCF-style: chr5-127507372-A-C.
Other names: c.2737A>C, p.Ile913Leu (NM_001256461.2); short protein forms I913L.
Identifiers: ClinVar variation 4742757 (VCV004742757.1).